The following is an entry in ClinVar:

ClinVar aggregate classification (germline): Uncertain significance. Review status: criteria provided, multiple submitters, no conflicts (2 of 4 stars). 3 submissions from 3 submitters: Uncertain significance (3). Last evaluated 2024-05-31.

gnomAD v4.1: 91 of 1,611,844 alleles (0.0056%); highest among the groups gnomAD compares: Non-Finnish European, 0.0074%; no homozygotes.

Submissions (3):

Blueprint Genetics
Classification: Uncertain significance. Last evaluated: 2024-05-31. Review status: criteria provided, single submitter. Criteria: ACMG Guidelines, 2015. Collection method: clinical testing. Allele origin: germline.

Labcorp Genetics (formerly Invitae), Labcorp
Classification: Uncertain significance. Last evaluated: 2024-01-03. Review status: criteria provided, single submitter. Criteria: Invitae Variant Classification Sherloc (09022015). Collection method: clinical testing. Allele origin: germline.
Comment: This sequence change replaces leucine, which is neutral and non-polar, with methionine, which is neutral and non-polar, at codon 117 of the PDX1 protein (p.Leu117Met). This variant is present in population databases (rs573752557, gnomAD 0.004%). This missense change has been observed in individual(s) with type 2 diabetes mellitus (PMID: 21569088). ClinVar contains an entry for this variant (Variation ID: 1338307). Advanced modeling of protein sequence and biophysical properties (such as structural, functional, and spatial information, amino acid conservation, physicochemical variation, residue mobility, and thermodynamic stability) has been performed at Invitae for this missense variant, however the output from this modeling did not meet the statistical confidence thresholds required to predict the impact of this variant on PDX1 protein function. In summary, the available evidence is currently insufficient to determine the role of this variant in disease. Therefore, it has been classified as a Variant of Uncertain Significance.

Genetic Services Laboratory, University of Chicago
Classification: Uncertain significance. Last evaluated: 2017-09-26. Review status: criteria provided, single submitter. Criteria: ACMG Guidelines, 2015. Collection method: clinical testing. Allele origin: germline. Affected: no.

Literature cited by the submitters: PubMed 21569088 (cited by Labcorp Genetics (formerly Invitae), Labcorp).

NM_000209.4(PDX1):c.349C>A (p.Leu117Met)

Gene: PDX1 (pancreatic and duodenal homeobox 1; plus strand). Cytogenetic location: 13q12.2.
Variant type: single nucleotide variant.
Coding change: c.349C>A on transcript NM_000209.4 (MANE Select); coding-DNA position 349, C replaced by A.
Protein change: p.Leu117Met; replaces leucine 117 with methionine.
Molecular consequence: missense variant.
Genome position (GRCh38, 1-based): chr13:27,920,487, C>A. VCF-style: chr13-27920487-C-A. GRCh37 (hg19) VCF-style: chr13-28494624-C-A.
Other names: short protein forms L117M.
Identifiers: ClinVar variation 1338307 (VCV001338307.8), dbSNP rs573752557, ClinGen allele CA6927623.